The following is an entry in ClinVar:

NM_025103.4(IFT74):c.1627A>G (p.Thr543Ala)

Gene: IFT74 (intraflagellar transport 74; plus strand). Cytogenetic location: 9p21.2.
Variant type: single nucleotide variant.
Coding change: c.1627A>G on transcript NM_025103.4 (MANE Select); coding-DNA position 1627, A replaced by G.
Protein change: p.Thr543Ala; replaces threonine 543 with alanine.
Molecular consequence: missense variant.
Genome position (GRCh38, 1-based): chr9:27,060,594, A>G. VCF-style: chr9-27060594-A-G. GRCh37 (hg19) VCF-style: chr9-27060592-A-G.
Other names: c.1627A>G, p.Thr543Ala (NM_001099222.3, NM_001099223.3, NM_001349928.2); short protein forms T543A.
Identifiers: ClinVar variation 4997727 (VCV004997727.1).
Genomic context (GRCh38, chr9:27,060,594, plus strand): 5'-GGCATTTAATTGTTTTAAATATGGGTCCTAATTAATATTTTTCTTTTATGTTTTTAGCTT[A>G]CAAATTTGGAGAGAAAGTGGCAACACCTTGAGCAAAATAATTTTGCGATGAAAGAATGTA-3'
Protein context (NP_079379.2, residues 533-553): LQENETHSQL[Thr543Ala]NLERKWQHLE

ClinVar aggregate classification (germline): Uncertain significance (1 of 4 stars; one submission).

Conditions:
IFT74-related disorder. Also called: IFT74-related condition; IFT74-Related Disorders.

Submission:

PreventionGenetics, part of Exact Sciences
Classification: Uncertain significance for IFT74-related condition. Last evaluated: 2024-11-15. Review status: criteria provided, single submitter. Criteria: ACMG Guidelines, 2015. Collection method: clinical testing. Allele origin: germline.
Comment: The IFT74 c.1627A>G variant is predicted to result in the amino acid substitution p.Thr543Ala. To our knowledge, this variant has not been reported in the literature or in a large population database (gnomAD), indicating this variant is rare. At this time, the clinical significance of this variant is uncertain due to the absence of conclusive functional and genetic evidence.